The following is an entry in ClinVar:

NM_001005242.3(PKP2):c.718C>T (p.Leu240=)

Gene: PKP2 (plakophilin 2; minus strand). Cytogenetic location: 12p11.21.
Variant type: single nucleotide variant.
Coding change: c.718C>T on transcript NM_001005242.3 (MANE Select); coding-DNA position 718, C replaced by T.
Protein change: p.Leu240=; no amino-acid change (leucine 240 retained).
Molecular consequence: synonymous variant.
Genome position (GRCh38, 1-based): chr12:32,878,162, G>A on the plus strand (C>T on the coding strand, the complement: PKP2 is on the minus strand). VCF-style: chr12-32878162-G-A. GRCh37 (hg19) VCF-style: chr12-33031096-G-A.
Other names: c.718C>T, p.Leu240= (NM_001407155.1, NM_001407156.1, NM_001407157.1 and 2 more transcripts); c.391C>T, p.Leu131= (NM_001407158.1, NM_001407159.1, NM_001407160.1 and 1 more transcripts).
Identifiers: ClinVar variation 3071077 (VCV003071077.1), dbSNP rs1465975937, ClinGen allele CA479387525.
Genomic context (GRCh38, chr12:32,878,162, plus strand): 5'-TCTCCTTCTCCAAGAGGTTGCCCATGCTGCGGCTGGTCCCTGGCCTGGGGTACGTGAGCA[G>A]GGCCGGGTTGGCAGGGATGCTGTCAAAAACGGTGTCGCTAACAGAGCCATGCTGGTACTG-3'
Protein context (NP_001005242.2, residues 230-250): VFDSIPANPA[Leu240=]LTYPRPGTSR

ClinVar aggregate classification (germline): Likely benign (1 of 4 stars; one submission).

Conditions:
Arrhythmogenic right ventricular cardiomyopathy (ARVD). Also called: Arrhythmogenic right ventricular dysplasia; Cardiomyopathy, ARVC; Arrhythmogenic cardiomyopathy; Arrhythmogenic Right Ventricular Cardiomyopathy (ARVC). Identifiers: Orphanet 247, MedGen C0349788, MeSH D019571, MONDO:0016587. Disease mechanism: loss of function. Inheritance: Various modes of inheritance.

Allele frequency attached by ClinVar (database versions not stated): gnomAD 0.00001.
gnomAD v4.1: 2 of 1,614,138 alleles (0.00012%); highest among the groups gnomAD compares: East Asian, 0.0022%; no homozygotes.

Submission:

All of Us Research Program, National Institutes of Health
Classification: Likely benign for Arrhythmogenic right ventricular cardiomyopathy. Last evaluated: 2023-05-16. Review status: criteria provided, single submitter. Criteria: ACMG Guidelines, 2015. Collection method: clinical testing. Allele origin: germline. Inheritance: Autosomal dominant inheritance. Observed: 1 variant allele, 1 heterozygote.
Comment: This study involves interpretation of variants in research participants for the purpose of population health screening. Participant phenotype was not available at the time of variant classification. Additional details can be found in publication PMID: 35346344, PMCID: PMC8962531